The following is an entry in ClinVar:

NM_001349253.2(SCN11A):c.862T>C (p.Cys288Arg)

Gene: SCN11A (sodium voltage-gated channel alpha subunit 11; minus strand). Cytogenetic location: 3p22.2.
Variant type: single nucleotide variant.
Coding change: c.862T>C on transcript NM_001349253.2 (MANE Select); coding-DNA position 862, T replaced by C.
Protein change: p.Cys288Arg; replaces cysteine 288 with arginine.
Molecular consequence: missense variant.
Genome position (GRCh38, 1-based): chr3:38,921,106, A>G on the plus strand (T>C on the coding strand, the complement: SCN11A is on the minus strand). VCF-style: chr3-38921106-A-G. GRCh37 (hg19) VCF-style: chr3-38962597-A-G.
Other names: c.862T>C, p.Cys288Arg (NM_014139.3); c.862T>C (NM_014139.2); short protein forms C288R.
Identifiers: ClinVar variation 1062877 (VCV001062877.7), dbSNP rs2125548468, ClinGen allele CA352171953.
Genomic context (GRCh38, chr3:38,921,106, plus strand): 5'-CAAGGAGTGAAAGAAAGGTTGGGTATTTACCATAAGCTTCCGGGTTACTGATATTTTTAC[A>G]GTCCCTCGAGATGCATTTCAGGTTCAGACTTCCCATGAAGAGCTGCTGACCTACCAGGGC-3'
Protein context (NP_001336182.1, residues 278-298): SLNLKCISRD[Cys288Arg]KNISNPEAYD

ClinVar aggregate classification (germline): Uncertain significance. Review status: criteria provided, multiple submitters, no conflicts (2 of 4 stars). 2 submissions from 2 submitters: Uncertain significance (2). Last evaluated 2023-06-29.

Conditions:
Inborn genetic diseases. Identifiers: MedGen C0950123, MeSH D030342.
Hereditary sensory and autonomic neuropathy type 7. Also called: Neuropathy, hereditary sensory and autonomic, type VII; HSAN VII. Identifiers: Orphanet 391397, MedGen C3809882, MONDO:0014244, OMIM 615548.
Familial episodic pain syndrome with predominantly lower limb involvement. Also called: Episodic pain syndrome, familial, 3. Identifiers: Orphanet 391384, Orphanet 391392, MedGen C3809899, MONDO:0014247, OMIM 615552.

Submissions (2):

Ambry Genetics
Classification: Uncertain significance for Inborn genetic diseases. Last evaluated: 2023-06-29. Review status: criteria provided, single submitter. Criteria: Ambry Variant Classification Scheme 2023. Collection method: clinical testing. Allele origin: germline.

Labcorp Genetics (formerly Invitae), Labcorp
Classification: Uncertain significance for Familial episodic pain syndrome with predominantly lower limb involvement; Hereditary sensory and autonomic neuropathy type 7. Last evaluated: 2020-03-08. Review status: criteria provided, single submitter. Criteria: Invitae Variant Classification Sherloc (09022015). Collection method: clinical testing. Allele origin: germline.
Comment: In summary, the available evidence is currently insufficient to determine the role of this variant in disease. Therefore, it has been classified as a Variant of Uncertain Significance. Algorithms developed to predict the effect of missense changes on protein structure and function are either unavailable or do not agree on the potential impact of this missense change (SIFT: "Deleterious"; PolyPhen-2: "Probably Damaging"; Align-GVGD: "Class C0"). This variant has not been reported in the literature in individuals with SCN11A-related conditions. This variant is not present in population databases (ExAC no frequency). This sequence change replaces cysteine with arginine at codon 288 of the SCN11A protein (p.Cys288Arg). The cysteine residue is highly conserved and there is a large physicochemical difference between cysteine and arginine.